The following is an entry in ClinVar:

ClinVar aggregate classification (germline): Benign. Review status: criteria provided, multiple submitters, no conflicts (2 of 4 stars). 3 submissions from 3 submitters: Benign (2). 1 of the submissions does not count toward it. Last evaluated 2019-12-31.

Conditions:
BIRC6-related disorder. Also called: BIRC6-related condition.

Allele frequency attached by ClinVar (database versions not stated): ESP Exome Variant Server 0.00015; gnomAD 0.00344 and 0.00345; 1000 Genomes Project 0.00479; 1000 Genomes Project 30x 0.00484; ExAC 0.00529; TOPMed 0.00652; gnomAD exomes 0.00742.
gnomAD v4.1: 2,894 of 1,613,838 alleles (0.18%); highest among the groups gnomAD compares: Admixed American, 4.5%; 78 homozygotes.

Submissions (3):

Labcorp Genetics (formerly Invitae), Labcorp
Classification: Benign. Last evaluated: 2019-12-31. Review status: criteria provided, single submitter. Criteria: Invitae Variant Classification Sherloc (09022015). Collection method: clinical testing. Allele origin: germline.

Breakthrough Genomics
Classification: Benign. Review status: criteria provided, single submitter. Criteria: ACMG Guidelines, 2015. Collection method: not provided. Allele origin: germline. Inheritance: Unknown mechanism. Affected: yes.

PreventionGenetics, part of Exact Sciences
Classification: Benign for BIRC6-related condition. Last evaluated: 2019-02-26. Review status: no assertion criteria provided. Collection method: clinical testing. Allele origin: germline. Not counted in ClinVar's aggregate classification.
Comment: This variant is classified as benign based on ACMG/AMP sequence variant interpretation guidelines (Richards et al. 2015 PMID: 25741868, with internal and published modifications).

NM_016252.4(BIRC6):c.5203C>G (p.Pro1735Ala)

Gene: BIRC6 (baculoviral IAP repeat containing 6; plus strand). Cytogenetic location: 2p22.3.
Variant type: single nucleotide variant.
Coding change: c.5203C>G on transcript NM_016252.4 (MANE Select); coding-DNA position 5203, C replaced by G.
Protein change: p.Pro1735Ala; replaces proline 1735 with alanine.
Molecular consequence: missense variant.
Genome position (GRCh38, 1-based): chr2:32,464,770, C>G. VCF-style: chr2-32464770-C-G. GRCh37 (hg19) VCF-style: chr2-32689838-C-G.
Other names: c.5173C>G, p.Pro1725Ala (NM_001378125.1); short protein forms P1735A, P1725A.
Identifiers: ClinVar variation 778258 (VCV000778258.7), dbSNP rs34906338, ClinGen allele CA1603550.